The following is an entry in ClinVar:

ClinVar aggregate classification (germline): Uncertain significance (1 of 4 stars; one submission).

Conditions:
Hereditary cancer-predisposing syndrome. Also called: Neoplastic Syndromes, Hereditary; Tumor predisposition; Hereditary Cancer Syndrome; Hereditary neoplastic syndrome. Identifiers: Orphanet 140162, MedGen C0027672, MeSH D009386, MONDO:0015356.

gnomAD v4.1: 1 of 1,614,236 alleles (0.000062%); highest among the groups gnomAD compares: Non-Finnish European, 0.000085%; no homozygotes.

Submission:

Ambry Genetics
Classification: Uncertain significance for Hereditary cancer-predisposing syndrome. Last evaluated: 2025-11-14. Review status: criteria provided, single submitter. Criteria: Ambry Variant Classification Scheme 2023. Collection method: clinical testing. Allele origin: germline.
Comment: The p.S537N variant (also known as c.1610G>A), located in coding exon 11 of the FLCN gene, results from a G to A substitution at nucleotide position 1610. The serine at codon 537 is replaced by asparagine, an amino acid with highly similar properties. This variant was reported in individual(s) with features consistent with Birt-Hogg-Dube syndrome (Bandini E et al. Int J Mol Sci, 2023 Aug;24:). This amino acid position is not well conserved in available vertebrate species. In addition, this alteration is predicted to be tolerated by in silico analysis. Based on the available evidence, the clinical significance of this variant remains unclear.

Literature cited by the submitters: PubMed 37569793.

NM_144997.7(FLCN):c.1610G>A (p.Ser537Asn)

Gene: FLCN (folliculin; minus strand). Cytogenetic location: 17p11.2.
Variant type: single nucleotide variant.
Coding change: c.1610G>A on transcript NM_144997.7 (MANE Select); coding-DNA position 1610, G replaced by A.
Protein change: p.Ser537Asn; replaces serine 537 with asparagine.
Molecular consequence: missense variant.
Genome position (GRCh38, 1-based): chr17:17,213,785, C>T on the plus strand (G>A on the coding strand, the complement: FLCN is on the minus strand). VCF-style: chr17-17213785-C-T. GRCh37 (hg19) VCF-style: chr17-17117099-C-T.
Other names: c.1664G>A, p.Ser555Asn (NM_001353229.2); c.1610G>A, p.Ser537Asn (NM_001353230.2, NM_001353231.2); short protein forms S555N, S537N.
Identifiers: ClinVar variation 4643124 (VCV004643124.1).